The following is an entry in ClinVar:

NM_001458.5(FLNC):c.6779A>G (p.Lys2260Arg)

Genes: FLNC (filamin C; plus strand), FLNC-AS1 (FLNC antisense RNA 1; minus strand). Cytogenetic location: 7q32.1.
Variant type: single nucleotide variant.
Coding change: c.6779A>G on transcript NM_001458.5 (MANE Select); coding-DNA position 6779, A replaced by G.
Protein change: p.Lys2260Arg; replaces lysine 2260 with arginine.
Molecular consequence: missense variant.
Genome position (GRCh38, 1-based): chr7:128,854,464, A>G. VCF-style: chr7-128854464-A-G. GRCh37 (hg19) VCF-style: chr7-128494518-A-G.
Other names: c.6680A>G, p.Lys2227Arg (NM_001127487.2); short protein forms K2260R, K2227R.
Identifiers: ClinVar variation 539380 (VCV000539380.41), dbSNP rs751019991, ClinGen allele CA4476088.

ClinVar aggregate classification (germline): Conflicting classifications of pathogenicity. Review status: criteria provided, conflicting classifications (1 of 4 stars). 6 submissions from 6 submitters: Uncertain significance (2); Likely benign (4). Last evaluated 2026-01-02.

Conditions:
FLNC-related disorder. Also called: FLNC-related disorders; FLNC-related condition.
Hypertrophic cardiomyopathy 26. Also called: Cardiomyopathy, familial hypertrophic, 26. Identifiers: Orphanet 75249, MedGen C4310749, MONDO:0014883, OMIM 617047.
Myofibrillar myopathy 5. Also called: Filaminopathy (type); FILAMINOPATHY, AUTOSOMAL DOMINANT. Identifiers: Orphanet 171445, MedGen C1836050, MONDO:0012289, OMIM 609524.
Distal myopathy with posterior leg and anterior hand involvement. Also called: WILLIAMS DISTAL MYOPATHY. Identifiers: Orphanet 63273, MedGen C3279722, MONDO:0013550, OMIM 614065.
Cardiovascular phenotype. Identifiers: MedGen CN230736.

Allele frequency attached by ClinVar (database versions not stated): gnomAD 0.00003; gnomAD exomes 0.00004 and 0.00015; ExAC 0.00005; TOPMed 0.00011.
gnomAD v4.1: 238 of 1,609,130 alleles (0.015%); highest among the groups gnomAD compares: Non-Finnish European, 0.019%; no homozygotes.

Submissions (6):

PreventionGenetics, part of Exact Sciences
Classification: Uncertain significance for FLNC-related condition. Last evaluated: 2026-01-02. Review status: criteria provided, single submitter. Criteria: ACMG Guidelines, 2015. Collection method: clinical testing. Allele origin: germline.
Comment: The FLNC c.6779A>G variant is predicted to result in the amino acid substitution p.Lys2260Arg. This variant has been reported in several individuals with arrhythmogenic cardiomyopathy (Table A2, Hall et al. 2019. PubMed ID: 31627847; Bueno-Beti et al. 2023. PubMed ID: 37936669). This variant is reported in 0.0082% of alleles in individuals of European (non-Finnish) descent in gnomAD and has conflicting interpretations regarding its pathogenicity in ClinVar, ranging from likely benign to uncertain. At this time, the clinical significance of this variant is uncertain due to the absence of conclusive functional and genetic evidence.

Labcorp Genetics (formerly Invitae), Labcorp
Classification: Likely benign for Distal myopathy with posterior leg and anterior hand involvement; Myofibrillar myopathy 5; Hypertrophic cardiomyopathy 26. Last evaluated: 2025-12-24. Review status: criteria provided, single submitter. Criteria: Invitae Variant Classification Sherloc (09022015). Collection method: clinical testing. Allele origin: germline.

Ambry Genetics
Classification: Likely benign for Cardiovascular phenotype. Last evaluated: 2024-06-25. Review status: criteria provided, single submitter. Criteria: Ambry Variant Classification Scheme 2023. Collection method: clinical testing. Allele origin: germline.

Revvity Omics, Revvity
Classification: Likely benign. Last evaluated: 2024-05-03. Review status: criteria provided, single submitter. Criteria: ACMG Guidelines, 2015. Collection method: clinical testing. Allele origin: germline.

New York Genome Center
Classification: Uncertain significance for Hypertrophic cardiomyopathy 26. Last evaluated: 2023-08-09. Review status: criteria provided, single submitter. Criteria: NYGC Assertion Criteria 2020. Collection method: clinical testing. Allele origin: germline. Observed: 1 heterozygote.
Comment: The c.6779A>G, p.(Lys2260Arg) variant identified in the FLNC gene is a missense variant predicted to substitute a Lysine for Arginine at amino acid 2260/2762 (exon 41/48). This variant is found with low frequency in population databases (gnomADv2.1.1, gnomADv3.1.2, BRAVO-TOPMed, All of US; allele frequency: <0.0001, 0 homozygotes) suggesting it is not a common benign variant in the populations represented in those databases. The c.6779A>G, p.(Lys2260Arg) variant has been reported in ClinVar as both a Variant of Uncertain Significance and Likely Benign (VarID: 539380), and to our current knowledge has not been reported in affected individuals in the literature. Given the lack of compelling evidence for its pathogenicity, the c.6779A>G, p.(Lys2260Arg) variant identified in the FLNC gene is reported as a Variant of Uncertain Significance.

CeGaT Center for Human Genetics Tuebingen
Classification: Likely benign. Last evaluated: 2022-09-01. Review status: criteria provided, single submitter. Criteria: CeGaT Center For Human Genetics Tuebingen Variant Classification Criteria Version 2. Collection method: clinical testing. Allele origin: germline. Affected: yes. Observed: 1 variant allele.
Comment: FLNC: BP4

Literature cited by the submitters: PubMed 31627847 (cited by Ambry Genetics); PubMed 37936669 (cited by Ambry Genetics).